The following is an entry in ClinVar:

ClinVar aggregate classification (germline): Likely benign (1 of 4 stars; one submission).

Allele frequency attached by ClinVar (database versions not stated): TOPMed 0.00001.
gnomAD v4.1: 9 of 1,614,082 alleles (0.00056%); highest among the groups gnomAD compares: Admixed American, 0.015%; no homozygotes.

Submission:

Laboratory for Molecular Medicine, Mass General Brigham Personalized Medicine
Classification: Likely benign. Last evaluated: 2016-11-01. Review status: criteria provided, single submitter. Criteria: LMM Criteria. Collection method: clinical testing. Allele origin: germline. Observed: 1 variant allele.
Comment: p.Ser1290Ser in exon 31 of OTOF: This variant is not expected to have clinical s ignificance because it does not alter an amino acid residue and is not located w ithin the splice consensus sequence. It has been identified in 3/11574 Latino ch romosomes by the Exome Aggregation Consortium (ExAC. org; dbSNP rs777658929).

NM_194248.3(OTOF):c.3870T>C (p.Ser1290=)

Gene: OTOF (otoferlin; minus strand). Cytogenetic location: 2p23.3.
Variant type: single nucleotide variant.
Coding change: c.3870T>C on transcript NM_194248.3 (MANE Select); coding-DNA position 3870, T replaced by C.
Protein change: p.Ser1290=; no amino-acid change (serine 1290 retained).
Molecular consequence: synonymous variant.
Genome position (GRCh38, 1-based): chr2:26,471,145, A>G on the plus strand (T>C on the coding strand, the complement: OTOF is on the minus strand). VCF-style: chr2-26471145-A-G. GRCh37 (hg19) VCF-style: chr2-26694013-A-G.
Other names: c.3870T>C, p.Ser1290= (NM_001287489.2); c.1569T>C, p.Ser523= (NM_004802.4, NM_194323.3); c.1800T>C, p.Ser600= (NM_194322.3).
Identifiers: ClinVar variation 505390 (VCV000505390.5), dbSNP rs777658929, ClinGen allele CA1563386.